The following is an entry in ClinVar:

ClinVar aggregate classification (germline): Uncertain significance (1 of 4 stars; one submission).

Submission:

GeneDx
Classification: Uncertain significance. Last evaluated: 2022-11-05. Review status: criteria provided, single submitter. Criteria: GeneDx Variant Classification Process June 2021. Collection method: clinical testing. Allele origin: germline. Affected: yes.
Comment: Not observed at significant frequency in large population cohorts (gnomAD); Nonsense variant predicted to result in protein truncation or nonsense mediated decay in a gene or region of a gene for which loss of function is not a well-established mechanism of disease; Has not been previously published as pathogenic or benign to our knowledge

NM_001252102.2(KIF21B):c.3998G>A (p.Trp1333Ter)

Genes: KIF21B (kinesin family member 21B; minus strand), LOC129932203 (ATAC-STARR-seq lymphoblastoid active region 2305; plus strand). Cytogenetic location: 1q32.1.
Variant type: single nucleotide variant.
Coding change: c.3998G>A on transcript NM_001252102.2 (MANE Select); coding-DNA position 3998, G replaced by A.
Protein change: p.Trp1333Ter; replaces tryptophan 1333 with a stop codon.
Molecular consequence: nonsense.
Genome position (GRCh38, 1-based): chr1:200,979,697, C>T on the plus strand (G>A on the coding strand, the complement: KIF21B is on the minus strand). VCF-style: chr1-200979697-C-T. GRCh37 (hg19) VCF-style: chr1-200948825-C-T.
Other names: c.3998G>A, p.Trp1333Ter (NM_001252100.2); c.3959G>A, p.Trp1320Ter (NM_001252103.2, NM_017596.4); short protein forms W1320*, W1333*.
Identifiers: ClinVar variation 2501626 (VCV002501626.1), dbSNP rs2465132244, ClinGen allele CA344120983.